The following is an entry in ClinVar:

ClinVar aggregate classification (germline): Uncertain significance (1 of 4 stars; one submission).

Allele frequency attached by ClinVar (database versions not stated): TOPMed below 0.00001.

Submission:

Labcorp Genetics (formerly Invitae), Labcorp
Classification: Uncertain significance. Last evaluated: 2022-10-03. Review status: criteria provided, single submitter. Criteria: Invitae Variant Classification Sherloc (09022015). Collection method: clinical testing. Allele origin: germline.
Comment: This sequence change replaces methionine, which is neutral and non-polar, with valine, which is neutral and non-polar, at codon 1948 of the UNC80 protein (p.Met1948Val). This variant is not present in population databases (gnomAD no frequency). In summary, the available evidence is currently insufficient to determine the role of this variant in disease. Therefore, it has been classified as a Variant of Uncertain Significance. Advanced modeling of protein sequence and biophysical properties (such as structural, functional, and spatial information, amino acid conservation, physicochemical variation, residue mobility, and thermodynamic stability) performed at Invitae indicates that this missense variant is not expected to disrupt UNC80 protein function. ClinVar contains an entry for this variant (Variation ID: 1483324). This variant has not been reported in the literature in individuals affected with UNC80-related conditions.

NM_001371986.1(UNC80):c.6040A>G (p.Met2014Val)

Gene: UNC80 (unc-80 subunit of NALCN channel complex; plus strand). Cytogenetic location: 2q34.
Variant type: single nucleotide variant.
Coding change: c.6040A>G on transcript NM_001371986.1 (MANE Select); coding-DNA position 6040, A replaced by G.
Protein change: p.Met2014Val; replaces methionine 2014 with valine.
Molecular consequence: missense variant.
Genome position (GRCh38, 1-based): chr2:209,933,867, A>G. VCF-style: chr2-209933867-A-G. GRCh37 (hg19) VCF-style: chr2-210798591-A-G.
Other names: c.5842A>G, p.Met1948Val (NM_032504.2); c.5827A>G, p.Met1943Val (NM_182587.4); short protein forms M1943V, M2014V, M1948V.
Identifiers: ClinVar variation 1483324 (VCV001483324.8), dbSNP rs2091063261, ClinGen allele CA350768902.